The following is an entry in ClinVar:

NM_001267727.2(ARSG):c.430G>A (p.Gly144Ser)

Gene: ARSG (arylsulfatase G; plus strand). Cytogenetic location: 17q24.2.
Variant type: single nucleotide variant.
Coding change: c.430G>A on transcript NM_001267727.2 (MANE Select); coding-DNA position 430, G replaced by A.
Protein change: p.Gly144Ser; replaces glycine 144 with serine.
Molecular consequence: missense variant. On other transcripts: intron variant (1).
Genome position (GRCh38, 1-based): chr17:68,347,148, G>A. VCF-style: chr17-68347148-G-A. GRCh37 (hg19) VCF-style: chr17-66343289-G-A.
Other names: c.430G>A, p.Gly144Ser (NM_001352899.2, NM_001352900.2, NM_001352901.2 and 8 more transcripts); c.406+3357G>A (NM_001352909.2); c.430G>A (NM_014960.3); short protein forms G144S.
Identifiers: ClinVar variation 938308 (VCV000938308.10), dbSNP rs367632717, ClinGen allele CA8728220.

ClinVar aggregate classification (germline): Uncertain significance. Review status: criteria provided, multiple submitters, no conflicts (2 of 4 stars). 4 submissions from 4 submitters: Uncertain significance (4). Last evaluated 2026-05-11.

Conditions:
ARSG-related disorder. Also called: ARSG-related condition.

Allele frequency attached by ClinVar (database versions not stated): ExAC 0.00002; gnomAD exomes 0.00002; TOPMed 0.00003; gnomAD 0.00006 and 0.00007; ESP Exome Variant Server 0.00008.

Submissions (4):

PreventionGenetics, part of Exact Sciences
Classification: Uncertain significance for ARSG-related condition. Last evaluated: 2026-05-11. Review status: criteria provided, single submitter. Criteria: ACMG Guidelines, 2015. Collection method: clinical testing. Allele origin: germline.
Comment: The ARSG c.430G>A variant is predicted to result in the amino acid substitution p.Gly144Ser. To our knowledge, this variant has not been reported in the literature. This variant is reported in 0.019% of alleles in individuals of Ashkenazi Jewish descent in gnomAD. At this time, the clinical significance of this variant is uncertain due to the absence of conclusive functional and genetic evidence.

Ambry Genetics
Classification: Uncertain significance. Last evaluated: 2024-04-22. Review status: criteria provided, single submitter. Criteria: Ambry Variant Classification Scheme 2023. Collection method: clinical testing. Allele origin: germline.

Labcorp Genetics (formerly Invitae), Labcorp
Classification: Uncertain significance. Last evaluated: 2024-02-24. Review status: criteria provided, single submitter. Criteria: Invitae Variant Classification Sherloc (09022015). Collection method: clinical testing. Allele origin: germline.
Comment: This sequence change replaces glycine, which is neutral and non-polar, with serine, which is neutral and polar, at codon 144 of the ARSG protein (p.Gly144Ser). This variant is present in population databases (rs367632717, gnomAD 0.02%). This variant has not been reported in the literature in individuals affected with ARSG-related conditions. ClinVar contains an entry for this variant (Variation ID: 938308). Algorithms developed to predict the effect of missense changes on protein structure and function output the following: SIFT: "Not Available"; PolyPhen-2: "Benign"; Align-GVGD: "Not Available". The serine amino acid residue is found in multiple mammalian species, which suggests that this missense change does not adversely affect protein function. In summary, the available evidence is currently insufficient to determine the role of this variant in disease. Therefore, it has been classified as a Variant of Uncertain Significance.

Blueprint Genetics
Classification: Uncertain significance. Last evaluated: 2022-10-06. Review status: criteria provided, single submitter. Criteria: ACMG Guidelines, 2015. Collection method: clinical testing. Allele origin: germline.